The following is an entry in ClinVar:

NM_021930.6(RINT1):c.2085C>A (p.His695Gln)

Genes: EFCAB10 (EF-hand calcium binding domain 10; minus strand), RINT1 (RAD50 interactor 1; plus strand). Cytogenetic location: 7q22.3.
Variant type: single nucleotide variant.
Coding change: c.2085C>A on transcript NM_021930.6 (MANE Select); coding-DNA position 2085, C replaced by A.
Protein change: p.His695Gln; replaces histidine 695 with glutamine.
Molecular consequence: missense variant. On other transcripts: 3 prime UTR variant (1), non-coding transcript variant (1), intron variant (2).
Genome position (GRCh38, 1-based): chr7:105,565,547, C>A. VCF-style: chr7-105565547-C-A. GRCh37 (hg19) VCF-style: chr7-105205994-C-A.
Other names: c.*2G>T (NM_001355530.2); c.1851C>A, p.His617Gln (NM_001346599.2); c.1062C>A, p.His354Gln (NM_001346600.2, NM_001346603.2); c.1161C>A, p.His387Gln (NM_001346601.2); c.360-100G>T (NM_001355531.2); c.384-100G>T (NM_001355526.2); short protein forms H354Q, H695Q, H617Q, H387Q.
Identifiers: ClinVar variation 1347034 (VCV001347034.10), dbSNP rs997658204, ClinGen allele CA164067963.

ClinVar aggregate classification (germline): Uncertain significance. Review status: criteria provided, multiple submitters, no conflicts (2 of 4 stars). 2 submissions from 2 submitters: Uncertain significance (2). Last evaluated 2025-07-09.

Allele frequency attached by ClinVar (database versions not stated): gnomAD 0.00001; gnomAD exomes 0.00001 and 0.00003.
gnomAD v4.1: 46 of 1,613,478 alleles (0.0029%); highest among the groups gnomAD compares: Non-Finnish European, 0.0037%; no homozygotes.

Submissions (2):

Labcorp Genetics (formerly Invitae), Labcorp
Classification: Uncertain significance. Last evaluated: 2025-07-09. Review status: criteria provided, single submitter. Criteria: Invitae Variant Classification Sherloc (09022015). Collection method: clinical testing. Allele origin: germline.
Comment: This sequence change replaces histidine, which is basic and polar, with glutamine, which is neutral and polar, at codon 695 of the RINT1 protein (p.His695Gln). This variant is present in population databases (no rsID available, gnomAD 0.002%). This variant has not been reported in the literature in individuals affected with RINT1-related conditions. ClinVar contains an entry for this variant (Variation ID: 1347034). An algorithm developed to predict the effect of missense changes on protein structure and function (PolyPhen-2) suggests that this variant is likely to be tolerated. In summary, the available evidence is currently insufficient to determine the role of this variant in disease. Therefore, it has been classified as a Variant of Uncertain Significance.

Ambry Genetics
Classification: Uncertain significance. Last evaluated: 2024-01-03. Review status: criteria provided, single submitter. Criteria: Ambry Variant Classification Scheme 2023. Collection method: clinical testing. Allele origin: germline.
Comment: The p.H695Q variant (also known as c.2085C>A), located in coding exon 14 of the RINT1 gene, results from a C to A substitution at nucleotide position 2085. The histidine at codon 695 is replaced by glutamine, an amino acid with highly similar properties. This amino acid position is well conserved in available vertebrate species. In addition, this alteration is predicted to be tolerated by in silico analysis. Since supporting evidence is limited at this time, the clinical significance of this alteration remains unclear.